The following is an entry in ClinVar:

NM_000492.4(CFTR):c.538C>G (p.Leu180Val)

Gene: CFTR (CF transmembrane conductance regulator; plus strand). Cytogenetic location: 7q31.2.
Variant type: single nucleotide variant.
Coding change: c.538C>G on transcript NM_000492.4 (MANE Select); coding-DNA position 538, C replaced by G.
Protein change: p.Leu180Val; replaces leucine 180 with valine.
Molecular consequence: missense variant.
Genome position (GRCh38, 1-based): chr7:117,534,324, C>G. VCF-style: chr7-117534324-C-G. GRCh37 (hg19) VCF-style: chr7-117174378-C-G.
Other names: short protein forms L180V.
Identifiers: ClinVar variation 917628 (VCV000917628.12), dbSNP rs374163420, ClinGen allele CA4450754.

ClinVar aggregate classification (germline): Uncertain significance. Review status: criteria provided, multiple submitters, no conflicts (2 of 4 stars). 5 submissions from 5 submitters: Uncertain significance (4). 1 of the submissions does not count toward it. Last evaluated 2025-06-03.

Conditions:
CFTR-related disorder (CFTR-RD). Also called: CFTR-related condition; CFTR-related disorders. Identifiers: MedGen C5924204, MONDO:7770004.
Cystic fibrosis (CF). Also called: MUCOVISCIDOSIS. Identifiers: Orphanet 586, MedGen C0010674, MONDO:0009061, OMIM 219700. Disease mechanism: loss of function.

Allele frequency attached by ClinVar (database versions not stated): ExAC 0.00002; TOPMed below 0.00001; gnomAD 0.00001; ESP Exome Variant Server 0.00008; gnomAD exomes 0.00001.
gnomAD v4.1: 3 of 1,605,194 alleles (0.00019%); highest among the groups gnomAD compares: African/African-American, 0.004%; no homozygotes.

Submissions (5):

Ambry Genetics
Classification: Uncertain significance for Cystic fibrosis. Last evaluated: 2025-06-03. Review status: criteria provided, single submitter. Criteria: Ambry Variant Classification Scheme 2023. Collection method: clinical testing. Allele origin: germline.
Comment: The p.L180V variant (also known as c.538C>G), located in coding exon 5 of the CFTR gene, results from a C to G substitution at nucleotide position 538. The leucine at codon 180 is replaced by valine, an amino acid with highly similar properties. This amino acid position is highly conserved in available vertebrate species. In addition, this alteration is predicted to be deleterious by in silico analysis. Based on the available evidence, the clinical significance of this variant remains unclear.

Genome-Nilou Lab
Classification: Uncertain significance for Cystic fibrosis. Last evaluated: 2021-09-05. Review status: criteria provided, single submitter. Criteria: ACMG Guidelines, 2015. Collection method: clinical testing. Allele origin: germline. Affected: no.

Labcorp Genetics (formerly Invitae), Labcorp
Classification: Uncertain significance for Cystic fibrosis. Last evaluated: 2021-09-01. Review status: criteria provided, single submitter. Criteria: Invitae Variant Classification Sherloc (09022015). Collection method: clinical testing. Allele origin: germline.
Comment: This sequence change replaces leucine with valine at codon 180 of the CFTR protein (p.Leu180Val). The leucine residue is moderately conserved and there is a small physicochemical difference between leucine and valine. This variant is present in population databases (rs374163420, ExAC 0.02%). This variant has not been reported in the literature in individuals affected with CFTR-related conditions. Algorithms developed to predict the effect of missense changes on protein structure and function are either unavailable or do not agree on the potential impact of this missense change (SIFT: "Tolerated"; PolyPhen-2: "Possibly Damaging"; Align-GVGD: "Class C0"). In summary, the available evidence is currently insufficient to determine the role of this variant in disease. Therefore, it has been classified as a Variant of Uncertain Significance.

Women's Health and Genetics/Laboratory Corporation of America, LabCorp
Classification: Uncertain significance. Last evaluated: 2020-01-27. Review status: criteria provided, single submitter. Criteria: LabCorp Variant Classification Summary - May 2015. Collection method: clinical testing. Allele origin: germline.
Comment: Variant summary: CFTR c.538C>G (p.Leu180Val) results in a conservative amino acid change located in the ABC transporter type 1, transmembrane domain (IPR011527) of the encoded protein sequence. Four of five in-silico tools predict a damaging effect of the variant on protein function. The variant allele was found at a frequency of 8e-06 in 250724 control chromosomes (gnomAD, exomes only). The available data on variant occurrences in the general population are insufficient to allow any conclusion about variant significance. To our knowledge, no occurrence of c.538C>G in individuals affected with Chronic Pancreatitis Risk and no experimental evidence demonstrating its impact on protein function have been reported. No clinical diagnostic laboratories have submitted clinical-significance assessments for this variant to ClinVar after 2014. Based on the evidence outlined above, the variant was classified as uncertain significance.

Natera, Inc.
Classification: Uncertain significance for CFTR-related disorders. Last evaluated: 2018-11-26. Review status: no assertion criteria provided. Collection method: clinical testing. Allele origin: germline. Not counted in ClinVar's aggregate classification.